The following is an entry in ClinVar:

NM_000321.3(RB1):c.399C>G (p.Asn133Lys)

Gene: RB1 (RB transcriptional corepressor 1; plus strand). Cytogenetic location: 13q14.2.
Variant type: single nucleotide variant.
Coding change: c.399C>G on transcript NM_000321.3 (MANE Select); coding-DNA position 399, C replaced by G.
Protein change: p.Asn133Lys; replaces asparagine 133 with lysine.
Molecular consequence: missense variant.
Genome position (GRCh38, 1-based): chr13:48,345,098, C>G. VCF-style: chr13-48345098-C-G. GRCh37 (hg19) VCF-style: chr13-48919234-C-G.
Other names: short protein forms N133K.
Identifiers: ClinVar variation 1389178 (VCV001389178.8), dbSNP rs765277265, ClinGen allele CA388252632.

ClinVar aggregate classification (germline): Uncertain significance (1 of 4 stars; one submission).

Conditions:
Retinoblastoma (RB1). Also called: RETINOBLASTOMA, SOMATIC. Identifiers: Orphanet 790, MedGen C0035335, MeSH D012175, MONDO:0008380, OMIM 180200, HP:0009919. Disease mechanism: loss of function. Inheritance: Both sporadic and heritable forms are tested..

Submission:

Labcorp Genetics (formerly Invitae), Labcorp
Classification: Uncertain significance for Retinoblastoma. Last evaluated: 2021-04-21. Review status: criteria provided, single submitter. Criteria: Invitae Variant Classification Sherloc (09022015). Collection method: clinical testing. Allele origin: germline.
Comment: In summary, the available evidence is currently insufficient to determine the role of this variant in disease. Therefore, it has been classified as a Variant of Uncertain Significance. Algorithms developed to predict the effect of sequence changes on RNA splicing suggest that this variant may create or strengthen a splice site, but this prediction has not been confirmed by published transcriptional studies. Algorithms developed to predict the effect of missense changes on protein structure and function (SIFT, PolyPhen-2, Align-GVGD) all suggest that this variant is likely to be tolerated, but these predictions have not been confirmed by published functional studies and their clinical significance is uncertain. This variant has not been reported in the literature in individuals with RB1-related conditions. This variant is not present in population databases (ExAC no frequency). This sequence change replaces asparagine with lysine at codon 133 of the RB1 protein (p.Asn133Lys). The asparagine residue is weakly conserved and there is a moderate physicochemical difference between asparagine and lysine.